The following is an entry in ClinVar:

NM_173551.5(ANKS6):c.976G>A (p.Gly326Arg)

Gene: ANKS6 (ankyrin repeat and sterile alpha motif domain containing 6; minus strand). Cytogenetic location: 9q22.33.
Variant type: single nucleotide variant.
Coding change: c.976G>A on transcript NM_173551.5 (MANE Select); coding-DNA position 976, G replaced by A.
Protein change: p.Gly326Arg; replaces glycine 326 with arginine.
Molecular consequence: missense variant.
Genome position (GRCh38, 1-based): chr9:98,784,089, C>T on the plus strand (G>A on the coding strand, the complement: ANKS6 is on the minus strand). VCF-style: chr9-98784089-C-T. GRCh37 (hg19) VCF-style: chr9-101546371-C-T.
Other names: short protein forms G326R.
Identifiers: ClinVar variation 4749551 (VCV004749551.1).

ClinVar aggregate classification (germline): Uncertain significance (1 of 4 stars; one submission).

Conditions:
Nephronophthisis 16 (NPHP16). Identifiers: Orphanet 655, MedGen C3809320, MONDO:0014158, OMIM 615382.

gnomAD v4.1: 20 of 1,598,452 alleles (0.0013%); highest among the groups gnomAD compares: Admixed American, 0.0017%; no homozygotes.

Submission:

Labcorp Genetics (formerly Invitae), Labcorp
Classification: Uncertain significance for Nephronophthisis 16. Last evaluated: 2025-09-10. Review status: criteria provided, single submitter. Criteria: Invitae Variant Classification Sherloc (09022015). Collection method: clinical testing. Allele origin: germline.
Comment: This sequence change replaces glycine, which is neutral and non-polar, with arginine, which is basic and polar, at codon 326 of the ANKS6 protein (p.Gly326Arg). This variant is present in population databases (rs758020659, gnomAD 0.004%). This variant has not been reported in the literature in individuals affected with ANKS6-related conditions. An algorithm developed to predict the effect of missense changes on protein structure and function (PolyPhen-2) suggests that this variant is likely to be disruptive. In summary, the available evidence is currently insufficient to determine the role of this variant in disease. Therefore, it has been classified as a Variant of Uncertain Significance.